The following is an entry in ClinVar:

NM_005359.6(SMAD4):c.1174A>G (p.Lys392Glu)

Gene: SMAD4 (SMAD family member 4; plus strand). Cytogenetic location: 18q21.2.
Variant type: single nucleotide variant.
Coding change: c.1174A>G on transcript NM_005359.6 (MANE Select); coding-DNA position 1174, A replaced by G.
Protein change: p.Lys392Glu; replaces lysine 392 with glutamic acid.
Molecular consequence: missense variant. On other transcripts: non-coding transcript variant (1).
Genome position (GRCh38, 1-based): chr18:51,067,053, A>G. VCF-style: chr18-51067053-A-G. GRCh37 (hg19) VCF-style: chr18-48593423-A-G.
Other names: c.1174A>G, p.Lys392Glu (NM_001407041.1, NM_001407042.1); short protein forms K392E.
Identifiers: ClinVar variation 5029730 (VCV005029730.1).
Genomic context (GRCh38, chr18:51,067,053, plus strand): 5'-AATGTAATTTCTTTTTTCTTCCTAAGGTTGCACATAGGCAAAGGTGTGCAGTTGGAATGT[A>G]AAGGTGAAGGTGATGTTTGGGTCAGGTGCCTTAGTGACCACGCGGTCTTTGTACAGAGTT-3'
Protein context (NP_005350.1, residues 382-402): HIGKGVQLEC[Lys392Glu]GEGDVWVRCL

ClinVar aggregate classification (germline): Uncertain significance (1 of 4 stars; one submission).

Conditions:
Familial thoracic aortic aneurysm and aortic dissection (TAAD). Also called: Thoracic aortic aneurysms and dissections. Identifiers: Orphanet 91387, MedGen C4707243, MONDO:0019625.
Hereditary cancer-predisposing syndrome. Also called: Neoplastic Syndromes, Hereditary; Tumor predisposition; Hereditary neoplastic syndrome; Hereditary Cancer Syndrome. Identifiers: Orphanet 140162, MedGen C0027672, MeSH D009386, MONDO:0015356.

Submission:

Ambry Genetics
Classification: Uncertain significance for Hereditary cancer-predisposing syndrome; Familial thoracic aortic aneurysm and aortic dissection. Last evaluated: 2026-07-02. Review status: criteria provided, single submitter. Criteria: Ambry Variant Classification Scheme 2023. Collection method: clinical testing. Allele origin: germline.
Comment: The p.K392E variant (also known as c.1174A>G), located in coding exon 9 of the SMAD4 gene, results from an A to G substitution at nucleotide position 1174. The lysine at codon 392 is replaced by glutamic acid, an amino acid with similar properties. This amino acid position is conserved. In addition, this alteration is predicted to be deleterious by in silico analysis. Based on the available evidence, the clinical significance of this variant remains unclear.